The following is an entry in ClinVar:

ClinVar aggregate classification (germline): Uncertain significance (1 of 4 stars; one submission).

gnomAD v4.1: 17 of 1,614,150 alleles (0.0011%); highest among the groups gnomAD compares: Non-Finnish European, 0.0014%; no homozygotes.

Submission:

Labcorp Genetics (formerly Invitae), Labcorp
Classification: Uncertain significance. Last evaluated: 2024-03-23. Review status: criteria provided, single submitter. Criteria: Invitae Variant Classification Sherloc (09022015). Collection method: clinical testing. Allele origin: germline.
Comment: This sequence change replaces glycine, which is neutral and non-polar, with valine, which is neutral and non-polar, at codon 397 of the AAAS protein (p.Gly397Val). This variant is present in population databases (rs758794645, gnomAD 0.0009%). This variant has not been reported in the literature in individuals affected with AAAS-related conditions. Advanced modeling of protein sequence and biophysical properties (such as structural, functional, and spatial information, amino acid conservation, physicochemical variation, residue mobility, and thermodynamic stability) performed at Invitae indicates that this missense variant is expected to disrupt AAAS protein function with a positive predictive value of 80%. In summary, the available evidence is currently insufficient to determine the role of this variant in disease. Therefore, it has been classified as a Variant of Uncertain Significance.

NM_015665.6(AAAS):c.1190G>T (p.Gly397Val)

Gene: AAAS (aladin WD repeat nucleoporin; minus strand). Cytogenetic location: 12q13.13.
Variant type: single nucleotide variant.
Coding change: c.1190G>T on transcript NM_015665.6 (MANE Select); coding-DNA position 1190, G replaced by T.
Protein change: p.Gly397Val; replaces glycine 397 with valine.
Molecular consequence: missense variant.
Genome position (GRCh38, 1-based): chr12:53,308,341, C>A on the plus strand (G>T on the coding strand, the complement: AAAS is on the minus strand). VCF-style: chr12-53308341-C-A. GRCh37 (hg19) VCF-style: chr12-53702125-C-A.
Other names: c.1091G>T, p.Gly364Val (NM_001173466.2); short protein forms G364V, G397V.
Identifiers: ClinVar variation 3605304 (VCV003605304.2).